The following is an entry in ClinVar:

ClinVar aggregate classification (germline): Conflicting classifications of pathogenicity. Review status: criteria provided, conflicting classifications (1 of 4 stars). 2 submissions from 2 submitters: Uncertain significance (1); Likely benign (1). Last evaluated 2023-02-13.

Conditions:
Inborn genetic diseases. Identifiers: MedGen C0950123, MeSH D030342.

Allele frequency attached by ClinVar (database versions not stated): TOPMed 0.00006; gnomAD 0.00007 and 0.00008; 1000 Genomes Project 0.00020; 1000 Genomes Project 30x 0.00031.
gnomAD v4.1: 46 of 1,614,108 alleles (0.0028%); highest among the groups gnomAD compares: African/African-American, 0.011%; no homozygotes.

Submissions (2):

Ambry Genetics
Classification: Likely benign for Inborn genetic diseases. Last evaluated: 2023-02-13. Review status: criteria provided, single submitter. Criteria: Ambry Variant Classification Scheme 2023. Collection method: clinical testing. Allele origin: germline.

Labcorp Genetics (formerly Invitae), Labcorp
Classification: Uncertain significance. Last evaluated: 2022-08-15. Review status: criteria provided, single submitter. Criteria: Invitae Variant Classification Sherloc (09022015). Collection method: clinical testing. Allele origin: germline.
Comment: This sequence change replaces alanine, which is neutral and non-polar, with valine, which is neutral and non-polar, at codon 2135 of the GPR179 protein (p.Ala2135Val). This variant is present in population databases (rs577578718, gnomAD 0.01%). This variant has not been reported in the literature in individuals affected with GPR179-related conditions. ClinVar contains an entry for this variant (Variation ID: 1467746). Algorithms developed to predict the effect of missense changes on protein structure and function output the following: SIFT: "Tolerated"; PolyPhen-2: "Benign"; Align-GVGD: "Class C0". The valine amino acid residue is found in multiple mammalian species, which suggests that this missense change does not adversely affect protein function. Algorithms developed to predict the effect of sequence changes on RNA splicing suggest that this variant may create or strengthen a splice site. In summary, the available evidence is currently insufficient to determine the role of this variant in disease. Therefore, it has been classified as a Variant of Uncertain Significance.

NM_001004334.4(GPR179):c.6404C>T (p.Ala2135Val)

Gene: GPR179 (G protein-coupled receptor 179; minus strand). Cytogenetic location: 17q12.
Variant type: single nucleotide variant.
Coding change: c.6404C>T on transcript NM_001004334.4 (MANE Select); coding-DNA position 6404, C replaced by T.
Protein change: p.Ala2135Val; replaces alanine 2135 with valine.
Molecular consequence: missense variant.
Genome position (GRCh38, 1-based): chr17:38,327,165, G>A on the plus strand (C>T on the coding strand, the complement: GPR179 is on the minus strand). VCF-style: chr17-38327165-G-A. GRCh37 (hg19) VCF-style: chr17-36483048-G-A.
Other names: c.6404C>T (NM_001004334.2); short protein forms A2135V.
Identifiers: ClinVar variation 1467746 (VCV001467746.5), dbSNP rs577578718, ClinGen allele CA290102956.